The following is an entry in ClinVar:

ClinVar aggregate classification (germline): Likely benign (1 of 4 stars; one submission).

Submission:

GeneDx
Classification: Likely benign. Last evaluated: 2017-07-17. Review status: criteria provided, single submitter. Criteria: GeneDx Variant Classification (06012015). Collection method: clinical testing. Allele origin: germline. Affected: yes.
Comment: This variant is considered likely benign or benign based on one or more of the following criteria: it is a conservative change, it occurs at a poorly conserved position in the protein, it is predicted to be benign by multiple in silico algorithms, and/or has population frequency not consistent with disease.

NM_003238.6(TGFB2):c.837A>G (p.Pro279=)

Gene: TGFB2 (transforming growth factor beta 2; plus strand). Cytogenetic location: 1q41.
Variant type: single nucleotide variant.
Coding change: c.837A>G on transcript NM_003238.6 (MANE Select); coding-DNA position 837, A replaced by G.
Protein change: p.Pro279=; no amino-acid change (proline 279 retained).
Molecular consequence: synonymous variant.
Genome position (GRCh38, 1-based): chr1:218,436,052, A>G. VCF-style: chr1-218436052-A-G. GRCh37 (hg19) VCF-style: chr1-218609394-A-G.
Other names: c.921A>G, p.Pro307= (NM_001135599.4).
Identifiers: ClinVar variation 510848 (VCV000510848.1), dbSNP rs1553303186, ClinGen allele CA423173194.